The following is an entry in ClinVar:

ClinVar aggregate classification (germline): Uncertain significance (1 of 4 stars; one submission).

Allele frequency attached by ClinVar (database versions not stated): gnomAD exomes below 0.00001.
gnomAD v4.1: 2 of 1,613,908 alleles (0.00012%); highest among the groups gnomAD compares: Non-Finnish European, 0.00017%; no homozygotes.

Submission:

GeneDx
Classification: Uncertain significance. Last evaluated: 2026-03-25. Review status: criteria provided, single submitter. Criteria: GeneDx Variant Classification Process June 2021. Collection method: clinical testing. Allele origin: germline.
Comment: Not observed at significant frequency in large population cohorts (gnomAD); In silico analysis suggests that this missense variant does not alter protein structure/function; Has not been previously published as pathogenic or benign to our knowledge

NM_004958.4(MTOR):c.2498T>C (p.Leu833Ser)

Gene: MTOR (mechanistic target of rapamycin kinase; minus strand). Cytogenetic location: 1p36.22.
Variant type: single nucleotide variant.
Coding change: c.2498T>C on transcript NM_004958.4 (MANE Select); coding-DNA position 2498, T replaced by C.
Protein change: p.Leu833Ser; replaces leucine 833 with serine.
Molecular consequence: missense variant.
Genome position (GRCh38, 1-based): chr1:11,232,452, A>G on the plus strand (T>C on the coding strand, the complement: MTOR is on the minus strand). VCF-style: chr1-11232452-A-G. GRCh37 (hg19) VCF-style: chr1-11292509-A-G.
Other names: c.2498T>C, p.Leu833Ser (NM_001386500.1); c.1250T>C, p.Leu417Ser (NM_001386501.1); short protein forms L417S, L833S.
Identifiers: ClinVar variation 1800487 (VCV001800487.2), dbSNP rs2523271687, ClinGen allele CA338383187.